The following is an entry in ClinVar:

ClinVar aggregate classification (germline): Uncertain significance. Review status: criteria provided, multiple submitters, no conflicts (2 of 4 stars). 2 submissions from 2 submitters: Uncertain significance (2). Last evaluated 2026-01-26.

Allele frequency attached by ClinVar (database versions not stated): gnomAD 0.00006; 1000 Genomes Project 30x 0.00031; 1000 Genomes Project 0.00040.
gnomAD v4.1: 49 of 1,614,136 alleles (0.003%); highest among the groups gnomAD compares: Admixed American, 0.013%; no homozygotes.

Submissions (2):

Labcorp Genetics (formerly Invitae), Labcorp
Classification: Uncertain significance. Last evaluated: 2026-01-26. Review status: criteria provided, single submitter. Criteria: Invitae Variant Classification Sherloc (09022015). Collection method: clinical testing. Allele origin: germline.
Comment: This sequence change replaces arginine, which is basic and polar, with histidine, which is basic and polar, at codon 323 of the ASAH1 protein (p.Arg323His). This variant is present in population databases (rs144363797, gnomAD 0.02%). This variant has not been reported in the literature in individuals affected with ASAH1-related conditions. ClinVar contains an entry for this variant (Variation ID: 1471152). Invitae Evidence Modeling of protein sequence and biophysical properties (such as structural, functional, and spatial information, amino acid conservation, physicochemical variation, residue mobility, and thermodynamic stability) indicates that this missense variant is not expected to disrupt ASAH1 protein function with a negative predictive value of 80%. In summary, the available evidence is currently insufficient to determine the role of this variant in disease. Therefore, it has been classified as a Variant of Uncertain Significance.

Women's Health and Genetics/Laboratory Corporation of America, LabCorp
Classification: Uncertain significance. Last evaluated: 2025-06-03. Review status: criteria provided, single submitter. Criteria: LabCorp Variant Classification Summary - May 2015. Collection method: clinical testing. Allele origin: germline.
Comment: Variant summary: ASAH1 c.968G>A (p.Arg323His) results in a non-conservative amino acid change in the encoded protein sequence. Algorithms developed to predict the effect of missense changes on protein structure and function are either unavailable or do not agree on the potential impact of this missense change. The variant allele was found at a frequency of 4.8e-05 in 251450 control chromosomes. This frequency is not significantly higher than estimated for a pathogenic variant in ASAH1 causing Spinal muscular atrophy-progressive myoclonic epilepsy syndrome (4.8e-05 vs 0.0011), allowing no conclusion about variant significance. To our knowledge, no occurrence of c.968G>A in individuals affected with Spinal muscular atrophy-progressive myoclonic epilepsy syndrome and no experimental evidence demonstrating its impact on protein function have been reported. ClinVar contains an entry for this variant (Variation ID: 1471152). Based on the evidence outlined above, the variant was classified as uncertain significance.

NM_177924.5(ASAH1):c.968G>A (p.Arg323His)

Gene: ASAH1 (N-acylsphingosine amidohydrolase 1; minus strand). Cytogenetic location: 8p22.
Variant type: single nucleotide variant.
Coding change: c.968G>A on transcript NM_177924.5 (MANE Select); coding-DNA position 968, G replaced by A.
Protein change: p.Arg323His; replaces arginine 323 with histidine.
Molecular consequence: missense variant.
Genome position (GRCh38, 1-based): chr8:18,059,414, C>T on the plus strand (G>A on the coding strand, the complement: ASAH1 is on the minus strand). VCF-style: chr8-18059414-C-T. GRCh37 (hg19) VCF-style: chr8-17916923-C-T.
Other names: c.950G>A, p.Arg317His (NM_001127505.3); c.773G>A, p.Arg258His (NM_001363743.2); c.1016G>A, p.Arg339His (NM_004315.6); c.968G>A (NM_177924.4); short protein forms R323H, R339H, R258H, R317H.
Identifiers: ClinVar variation 1471152 (VCV001471152.6), dbSNP rs144363797, ClinGen allele CA4650609.